The following is an entry in ClinVar:

ClinVar aggregate classification (germline): Uncertain significance. Review status: criteria provided, multiple submitters, no conflicts (2 of 4 stars). 2 submissions from 2 submitters: Uncertain significance (2). Last evaluated 2025-08-04.

Conditions:
RYR1-related disorder. Also called: RYR1-related disorders; RYR1-related condition. Identifiers: MedGen CN239331.
Malignant hyperthermia, susceptibility to, 1 (MHS1). Also called: Anesthesia related hyperthermia; Malignant hyperpyrexia; Fulminating hyperpyrexia; Pharmacogenic myopathy; Malignant hyperthermia suceptibility 1; RYR1-Related Malignant Hyperthermia Susceptibility. Identifiers: Orphanet 423, MedGen C2930980, MONDO:0007783, OMIM 145600.

Allele frequency attached by ClinVar (database versions not stated): gnomAD 0.00001; gnomAD exomes 0.00001 and 0.00003; TOPMed 0.00001; ExAC 0.00002.
gnomAD v4.1: 9 of 1,613,992 alleles (0.00056%); highest among the groups gnomAD compares: Admixed American, 0.0067%; no homozygotes.

Submissions (2):

Labcorp Genetics (formerly Invitae), Labcorp
Classification: Uncertain significance for RYR1-related disorder. Last evaluated: 2025-08-04. Review status: criteria provided, single submitter. Criteria: Invitae Variant Classification Sherloc (09022015). Collection method: clinical testing. Allele origin: germline.
Comment: This sequence change replaces glutamine, which is neutral and polar, with histidine, which is basic and polar, at codon 764 of the RYR1 protein (p.Gln764His). This variant is present in population databases (rs776172759, gnomAD 0.009%). This variant has not been reported in the literature in individuals affected with RYR1-related conditions. ClinVar contains an entry for this variant (Variation ID: 968610). Invitae Evidence Modeling of protein sequence and biophysical properties (such as structural, functional, and spatial information, amino acid conservation, physicochemical variation, residue mobility, and thermodynamic stability) indicates that this missense variant is not expected to disrupt RYR1 protein function with a negative predictive value of 95%. In summary, the available evidence is currently insufficient to determine the role of this variant in disease. Therefore, it has been classified as a Variant of Uncertain Significance.

Color Diagnostics, LLC DBA Color Health
Classification: Uncertain significance for Malignant hyperthermia, susceptibility to, 1. Last evaluated: 2023-11-08. Review status: criteria provided, single submitter. Criteria: ACMG Guidelines, 2015. Collection method: clinical testing. Allele origin: germline.
Comment: This missense variant replaces glutamine with histidine at codon 764 of the RYR1 protein. Computational prediction tool indicates that this variant may have a neutral impact on protein structure and function. To our knowledge, functional studies have not been reported for this variant. This variant has not been reported in individuals affected with RYR1-related disorders in the literature. This variant has been identified in 7/251458 chromosomes in the general population by the Genome Aggregation Database (gnomAD). The available evidence is insufficient to determine the role of this variant in disease conclusively. Therefore, this variant is classified as a Variant of Uncertain Significance.

NM_000540.3(RYR1):c.2292G>C (p.Gln764His)

Gene: RYR1 (ryanodine receptor 1; plus strand). Cytogenetic location: 19q13.2.
Variant type: single nucleotide variant.
Coding change: c.2292G>C on transcript NM_000540.3 (MANE Select); coding-DNA position 2292, G replaced by C.
Protein change: p.Gln764His; replaces glutamine 764 with histidine.
Molecular consequence: missense variant.
Genome position (GRCh38, 1-based): chr19:38,459,270, G>C. VCF-style: chr19-38459270-G-C. GRCh37 (hg19) VCF-style: chr19-38949910-G-C.
Other names: c.2292G>C, p.Gln764His (NM_001042723.2); short protein forms Q764H.
Identifiers: ClinVar variation 968610 (VCV000968610.6), dbSNP rs776172759, ClinGen allele CA063091.
Genomic context (GRCh38, chr19:38,459,270, plus strand): 5'-CTGCTGCCTGGACCTCAGCGTGCCGTCCATCTCCTTCCGCATCAACGGCTGCCCCGTGCA[G>C]GGTGTCTTTGAGTCCTTCAACCTGGACGGGCTCTTCTTCCCTGTTGTCAGCTTCTCGGCT-3'
Protein context (NP_000531.2, residues 754-774): ISFRINGCPV[Gln764His]GVFESFNLDG